The following is an entry in ClinVar:

ClinVar aggregate classification (germline): Likely benign. Review status: reviewed by expert panel (3 of 4 stars). 6 submissions from 6 submitters: Likely benign (1). 5 of the submissions do not count toward it. Last evaluated 2017-06-29.

Conditions:
Hereditary cancer-predisposing syndrome. Also called: Hereditary neoplastic syndrome; Hereditary Cancer Syndrome; Neoplastic Syndromes, Hereditary; Tumor predisposition. Identifiers: Orphanet 140162, MedGen C0027672, MeSH D009386, MONDO:0015356.
Hereditary breast ovarian cancer syndrome. Also called: Hereditary breast and ovarian cancer syndrome; BRCA1- and BRCA2-Associated Hereditary Breast and Ovarian Cancer; Hereditary breast and/or ovarian cancer syndrome; Hereditary breast and ovarian cancer; Breast and ovarian cancer; Hereditary breast and ovarian cancer syndrome (HBOC). Identifiers: Orphanet 145, MedGen C0677776, MeSH D061325, MONDO:0003582. Disease mechanism: loss of function.
Breast-ovarian cancer, familial, susceptibility to, 2 (BROVCA2). Also called: BRCA2 Hereditary Breast and Ovarian Cancer. Identifiers: Orphanet 145, MedGen C2675520, MONDO:0012933, OMIM 612555. Disease mechanism: loss of function.

Allele frequency attached by ClinVar (database versions not stated): TOPMed 0.00001.
gnomAD v4.1: 42 of 1,613,978 alleles (0.0026%); highest among the groups gnomAD compares: Non-Finnish European, 0.0036%; no homozygotes.

Submissions (6):

Evidence-based Network for the Interpretation of Germline Mutant Alleles (ENIGMA)
Classification: Likely benign for Breast-ovarian cancer, familial, susceptibility to, 2. Last evaluated: 2017-06-29. Review status: reviewed by expert panel. Criteria: ENIGMA BRCA1/2 Classification Criteria (2017-06-29). Collection method: curation. Allele origin: germline.
Comment: Synonymous substitution variant, with low bioinformatic likelihood to result in a splicing aberration (Splicing prior probability 0.02).

Labcorp Genetics (formerly Invitae), Labcorp
Classification: Likely benign for Hereditary breast ovarian cancer syndrome. Last evaluated: 2025-09-06. Review status: criteria provided, single submitter. Criteria: Invitae Variant Classification Sherloc (09022015). Collection method: clinical testing. Allele origin: germline. Not counted in ClinVar's aggregate classification.

Women's Health and Genetics/Laboratory Corporation of America, LabCorp
Classification: Likely benign. Last evaluated: 2022-03-19. Review status: criteria provided, single submitter. Criteria: LabCorp Variant Classification Summary - May 2015. Collection method: clinical testing. Allele origin: germline. Not counted in ClinVar's aggregate classification.

Ambry Genetics
Classification: Likely benign for Hereditary cancer-predisposing syndrome. Last evaluated: 2021-01-19. Review status: criteria provided, single submitter. Criteria: Ambry Variant Classification Scheme 2023. Collection method: clinical testing. Allele origin: germline. Not counted in ClinVar's aggregate classification.

Quest Diagnostics Nichols Institute San Juan Capistrano
Classification: Likely benign. Last evaluated: 2020-01-15. Review status: criteria provided, single submitter. Criteria: Quest Diagnostics criteria. Collection method: clinical testing. Allele origin: unknown. Not counted in ClinVar's aggregate classification.

Color Diagnostics, LLC DBA Color Health
Classification: Likely benign for Hereditary cancer-predisposing syndrome. Last evaluated: 2018-01-25. Review status: criteria provided, single submitter. Criteria: ACMG Guidelines, 2015. Collection method: clinical testing. Allele origin: germline. Not counted in ClinVar's aggregate classification.

NM_000059.4(BRCA2):c.6750A>G (p.Thr2250=)

Gene: BRCA2 (BRCA2 DNA repair associated; plus strand). Cytogenetic location: 13q13.1.
Variant type: single nucleotide variant.
Coding change: c.6750A>G on transcript NM_000059.4 (MANE Select); coding-DNA position 6750, A replaced by G.
Protein change: p.Thr2250=; no amino-acid change (threonine 2250 retained).
Molecular consequence: synonymous variant.
Genome position (GRCh38, 1-based): chr13:32,341,105, A>G. VCF-style: chr13-32341105-A-G. GRCh37 (hg19) VCF-style: chr13-32915242-A-G.
Identifiers: ClinVar variation 427478 (VCV000427478.19), dbSNP rs864622449, ClinGen allele CA483275276.